The following is an entry in ClinVar:

NM_020163.3(SEMA3G):c.774G>A (p.Ser258=)

Gene: SEMA3G (semaphorin 3G; minus strand). Cytogenetic location: 3p21.1.
Variant type: single nucleotide variant.
Coding change: c.774G>A on transcript NM_020163.3 (MANE Select); coding-DNA position 774, G replaced by A.
Protein change: p.Ser258=; no amino-acid change (serine 258 retained).
Molecular consequence: synonymous variant.
Genome position (GRCh38, 1-based): chr3:52,441,303, C>T on the plus strand (G>A on the coding strand, the complement: SEMA3G is on the minus strand). VCF-style: chr3-52441303-C-T. GRCh37 (hg19) VCF-style: chr3-52475319-C-T.
Identifiers: ClinVar variation 3358111 (VCV003358111.1).

ClinVar aggregate classification (germline): Likely benign (0 of 4 stars; one submission).

Conditions:
SEMA3G-related disorder. Also called: SEMA3G-related condition.

gnomAD v4.1: 183 of 1,613,520 alleles (0.011%); highest among the groups gnomAD compares: Non-Finnish European, 0.015%; no homozygotes.

Submission:

PreventionGenetics, part of Exact Sciences
Classification: Likely benign for SEMA3G-related condition. Last evaluated: 2024-05-16. Review status: no assertion criteria provided. Collection method: clinical testing. Allele origin: germline.
Comment: This variant is classified as likely benign based on ACMG/AMP sequence variant interpretation guidelines (Richards et al. 2015 PMID: 25741868, with internal and published modifications).